The following is an entry in ClinVar:

ClinVar aggregate classification (germline): Conflicting classifications of pathogenicity. Review status: criteria provided, conflicting classifications (1 of 4 stars). 2 submissions from 2 submitters: Uncertain significance (1); Likely benign (1). Last evaluated 2023-03-23.

Conditions:
Hereditary cancer-predisposing syndrome. Also called: Hereditary neoplastic syndrome; Neoplastic Syndromes, Hereditary; Hereditary Cancer Syndrome; Tumor predisposition. Identifiers: Orphanet 140162, MedGen C0027672, MeSH D009386, MONDO:0015356.
Hereditary breast ovarian cancer syndrome. Also called: Hereditary breast and ovarian cancer; Hereditary breast and/or ovarian cancer syndrome; Hereditary breast and ovarian cancer syndrome; Hereditary breast and ovarian cancer syndrome (HBOC); Breast and ovarian cancer; BRCA1- and BRCA2-Associated Hereditary Breast and Ovarian Cancer. Identifiers: Orphanet 145, MedGen C0677776, MeSH D061325, MONDO:0003582. Disease mechanism: loss of function.

Submissions (2):

University of Washington Department of Laboratory Medicine, University of Washington
Classification: Likely benign for Hereditary cancer-predisposing syndrome. Last evaluated: 2023-03-23. Review status: criteria provided, single submitter. Criteria: Dines et al. (Genet Med. 2020). Collection method: curation. Allele origin: germline.
Comment: Missense variant in a coldspot region where missense variants are very unlikely to be pathogenic (PMID:31911673).

BRCA2 exon 11 coldspot. Reclassification based on statistical prior probability.

Labcorp Genetics (formerly Invitae), Labcorp
Classification: Uncertain significance for Hereditary breast ovarian cancer syndrome. Last evaluated: 2019-10-16. Review status: criteria provided, single submitter. Criteria: Invitae Variant Classification Sherloc (09022015). Collection method: clinical testing. Allele origin: germline.
Comment: This sequence change replaces threonine with serine at codon 1430 of the BRCA2 protein (p.Thr1430Ser). The threonine residue is highly conserved and there is a small physicochemical difference between threonine and serine. In summary, the available evidence is currently insufficient to determine the role of this variant in disease. Therefore, it has been classified as a Variant of Uncertain Significance. Algorithms developed to predict the effect of missense changes on protein structure and function are either unavailable or do not agree on the potential impact of this missense change (SIFT: "Tolerated"; PolyPhen-2: "Possibly Damaging"; Align-GVGD: "Class C0"). This variant has not been reported in the literature in individuals with BRCA2-related conditions. This variant is not present in population databases (ExAC no frequency).

NM_000059.4(BRCA2):c.4289C>G (p.Thr1430Ser)

Gene: BRCA2 (BRCA2 DNA repair associated; plus strand). Cytogenetic location: 13q13.1.
Variant type: single nucleotide variant.
Coding change: c.4289C>G on transcript NM_000059.4 (MANE Select); coding-DNA position 4289, C replaced by G.
Protein change: p.Thr1430Ser; replaces threonine 1430 with serine.
Molecular consequence: missense variant.
Genome position (GRCh38, 1-based): chr13:32,338,644, C>G. VCF-style: chr13-32338644-C-G. GRCh37 (hg19) VCF-style: chr13-32912781-C-G.
Other names: short protein forms T1430S.
Identifiers: ClinVar variation 967743 (VCV000967743.11), dbSNP rs876659247, ClinGen allele CA387780656.